The following is an entry in ClinVar:

ClinVar aggregate classification (germline): Uncertain significance. Review status: criteria provided, multiple submitters, no conflicts (2 of 4 stars). 3 submissions from 3 submitters: Uncertain significance (3). Last evaluated 2025-11-13.

Conditions:
Familial adenomatous polyposis 1 (FAP1). Also called: FAMILIAL ADENOMATOUS POLYPOSIS 1, ATTENUATED; POLYPOSIS, ADENOMATOUS INTESTINAL. Identifiers: MedGen C2713442, MONDO:0021056, OMIM 175100. Disease mechanism: loss of function.
Hereditary cancer-predisposing syndrome. Also called: Neoplastic Syndromes, Hereditary; Hereditary Cancer Syndrome; Tumor predisposition; Hereditary neoplastic syndrome. Identifiers: Orphanet 140162, MedGen C0027672, MeSH D009386, MONDO:0015356.

gnomAD v4.1: 1 of 1,610,796 alleles (0.000062%); highest among the groups gnomAD compares: Non-Finnish European, 0.000085%; no homozygotes.

Submissions (3):

Ambry Genetics
Classification: Uncertain significance for Hereditary cancer-predisposing syndrome. Last evaluated: 2025-11-13. Review status: criteria provided, single submitter. Criteria: Ambry Variant Classification Scheme 2023. Collection method: clinical testing. Allele origin: germline.
Comment: The p.E225Q variant (also known as c.673G>C), located in coding exon 6 of the APC gene, results from a G to C substitution at nucleotide position 673. The glutamic acid at codon 225 is replaced by glutamine, an amino acid with highly similar properties. This amino acid position is highly conserved in available vertebrate species. In addition, in silico predictors for this gene do not accurately predict pathogenicity. Missense alterations in APC are not a common cause of disease (Spier I et al. Genet Med. 2024 Feb;26(2):100992). Based on the available evidence, the clinical significance of this variant remains unclear.

Labcorp Genetics (formerly Invitae), Labcorp
Classification: Uncertain significance for Familial adenomatous polyposis 1. Last evaluated: 2022-05-09. Review status: criteria provided, single submitter. Criteria: Invitae Variant Classification Sherloc (09022015). Collection method: clinical testing. Allele origin: germline.
Comment: In summary, the available evidence is currently insufficient to determine the role of this variant in disease. Therefore, it has been classified as a Variant of Uncertain Significance. Algorithms developed to predict the effect of missense changes on protein structure and function are either unavailable or do not agree on the potential impact of this missense change (SIFT: "Deleterious"; PolyPhen-2: "Probably Damaging"; Align-GVGD: "Class C0"). ClinVar contains an entry for this variant (Variation ID: 584660). This variant has not been reported in the literature in individuals affected with APC-related conditions. This variant is not present in population databases (gnomAD no frequency). This sequence change replaces glutamic acid, which is acidic and polar, with glutamine, which is neutral and polar, at codon 225 of the APC protein (p.Glu225Gln).

Mendelics
Classification: Uncertain significance for Familial adenomatous polyposis 1. Last evaluated: 2018-07-02. Review status: criteria provided, single submitter. Criteria: Mendelics Assertion Criteria 2017. Collection method: clinical testing. Allele origin: unknown.

NM_000038.6(APC):c.673G>C (p.Glu225Gln)

Gene: APC (APC regulator of Wnt signaling pathway; plus strand). Cytogenetic location: 5q22.2.
Variant type: single nucleotide variant.
Coding change: c.673G>C on transcript NM_000038.6 (MANE Select); coding-DNA position 673, G replaced by C.
Protein change: p.Glu225Gln; replaces glutamic acid 225 with glutamine.
Molecular consequence: missense variant. On other transcripts: 5 prime UTR variant (1), intron variant (2).
Genome position (GRCh38, 1-based): chr5:112,792,473, G>C. VCF-style: chr5-112792473-G-C. GRCh37 (hg19) VCF-style: chr5-112128170-G-C.
Other names: c.703G>C, p.Glu235Gln (NM_001354897.2, NM_001354902.2); c.598G>C, p.Glu200Gln (NM_001354898.2, NM_001354904.2); c.496G>C, p.Glu166Gln (NM_001354900.2, NM_001354901.2, NM_001354905.2); c.673G>C, p.Glu225Gln (NM_001354903.2, NM_001127510.3, NM_001354895.2 and 1 more transcripts); c.-363G>C (NM_001354906.2); c.676-8806G>C (NM_001127511.3); c.646-8806G>C (NM_001354899.2); short protein forms E225Q, E200Q, E166Q, E235Q.
Identifiers: ClinVar variation 584660 (VCV000584660.14), dbSNP rs768233232, ClinGen allele CA16022806.